The following is an entry in ClinVar:

ClinVar aggregate classification (germline): Likely benign. Review status: criteria provided, multiple submitters, no conflicts (2 of 4 stars). 3 submissions from 3 submitters: Likely benign (3). Last evaluated 2026-03-03.

Conditions:
PROM1-related disorder. Also called: PROM1-related condition; PROM1-related disorders.

Allele frequency attached by ClinVar (database versions not stated): gnomAD 0.00001; gnomAD exomes 0.00001; TOPMed 0.00001; ExAC 0.00002.
gnomAD v4.1: 10 of 1,597,338 alleles (0.00063%); highest among the groups gnomAD compares: Admixed American, 0.0035%; no homozygotes.

Submissions (3):

PreventionGenetics, part of Exact Sciences
Classification: Likely benign for PROM1-related condition. Last evaluated: 2026-03-03. Review status: criteria provided, single submitter. Criteria: ACMG Guidelines, 2015. Collection method: clinical testing. Allele origin: germline.
Comment: This variant is classified as likely benign based on ACMG/AMP sequence variant interpretation guidelines (Richards et al. 2015 PMID: 25741868, with internal and published modifications).

Blueprint Genetics
Classification: Likely benign. Last evaluated: 2024-06-24. Review status: criteria provided, single submitter. Criteria: ACMG Guidelines, 2015. Collection method: clinical testing. Allele origin: germline.

Labcorp Genetics (formerly Invitae), Labcorp
Classification: Likely benign. Last evaluated: 2022-04-11. Review status: criteria provided, single submitter. Criteria: Invitae Variant Classification Sherloc (09022015). Collection method: clinical testing. Allele origin: germline.

NM_006017.3(PROM1):c.1434C>T (p.Thr478=)

Gene: PROM1 (prominin 1; minus strand). Cytogenetic location: 4p15.32.
Variant type: single nucleotide variant.
Coding change: c.1434C>T on transcript NM_006017.3 (MANE Select); coding-DNA position 1434, C replaced by T.
Protein change: p.Thr478=; no amino-acid change (threonine 478 retained).
Molecular consequence: synonymous variant.
Genome position (GRCh38, 1-based): chr4:16,006,558, G>A on the plus strand (C>T on the coding strand, the complement: PROM1 is on the minus strand). VCF-style: chr4-16006558-G-A. GRCh37 (hg19) VCF-style: chr4-16008181-G-A.
Other names: c.1407C>T, p.Thr469= (NM_001145847.2, NM_001145848.2, NM_001145851.2 and 4 more transcripts); c.1434C>T, p.Thr478= (NM_001145849.2, NM_001145850.2); c.1434C>T (NM_006017.2).
Identifiers: ClinVar variation 1530586 (VCV001530586.10), dbSNP rs761939598, ClinGen allele CA2866773.